The following is an entry in ClinVar:

ClinVar aggregate classification (germline): Uncertain significance (1 of 4 stars; one submission).

Submission:

GeneDx
Classification: Uncertain significance. Last evaluated: 2022-01-27. Review status: criteria provided, single submitter. Criteria: GeneDx Variant Classification Process June 2021. Collection method: clinical testing. Allele origin: germline. Affected: yes.
Comment: Not observed at significant frequency in large population cohorts (gnomAD); Has not been previously published as pathogenic or benign to our knowledge; In-silico analysis is inconclusive as to whether the variant alters gene splicing. In the absence of RNA/functional studies, the actual effect of this sequence change is unknown.

NM_000271.5(NPC1):c.881+4_881+10del

Gene: NPC1 (NPC intracellular cholesterol transporter 1; minus strand). Cytogenetic location: 18q11.2.
Variant type: Deletion.
Coding change: c.881+4_881+10del on transcript NM_000271.5 (MANE Select); bases 4 to 10 of the intron after coding-DNA position 881, 7 bases deleted (AGCAGTT; older notation c.881+4_881+10delAGCAGTT).
Molecular consequence: intron variant.
Genome position (GRCh38, 1-based): chr18:23,560,221-23,560,227, AACTGCT deleted on the plus strand (AGCAGTT on the coding strand, the reverse complement: NPC1 is on the minus strand). VCF-style (leftmost placement, unchanged base first): chr18-23560220-AAACTGCT-A. GRCh37 (hg19) VCF-style: chr18-21140184-AAACTGCT-A.
Identifiers: ClinVar variation 1699623 (VCV001699623.2), dbSNP rs2145479309, ClinGen allele CA2580095621.